The following is an entry in ClinVar:

NM_001385875.1(ZFYVE27):c.147C>A (p.Ile49=)

Gene: ZFYVE27 (zinc finger FYVE-type containing 27; plus strand). Cytogenetic location: 10q24.2.
Variant type: single nucleotide variant.
Coding change: c.147C>A on transcript NM_001385875.1 (MANE Select); coding-DNA position 147, C replaced by A.
Protein change: p.Ile49=; no amino-acid change (isoleucine 49 retained).
Molecular consequence: synonymous variant. On other transcripts: 5 prime UTR variant (13), non-coding transcript variant (17), intron variant (5).
Genome position (GRCh38, 1-based): chr10:97,738,624, C>A. VCF-style: chr10-97738624-C-A. GRCh37 (hg19) VCF-style: chr10-99498381-C-A.
Other names: c.147C>A, p.Ile49= (NM_001002261.4, NM_001002262.4, NM_001174119.2 and 24 more transcripts); c.-33C>A (NM_001385890.1, NM_001385893.1, NM_001385895.1 and 2 more transcripts); c.-20C>A (NM_001385899.1, NM_001385900.1, NM_001385903.1 and 4 more transcripts); c.-48C>A (NM_001385915.1); c.-8+1303C>A (NM_001385891.1, NM_001385894.1, NM_001385892.1 and 1 more transcripts); c.-27+1303C>A (NM_001174121.2).
Identifiers: ClinVar variation 4999165 (VCV004999165.1).

ClinVar aggregate classification (germline): Likely benign (1 of 4 stars; one submission).

Conditions:
ZFYVE27-related disorder. Also called: ZFYVE27-related condition.

gnomAD v4.1: 15 of 1,614,238 alleles (0.00093%); highest among the groups gnomAD compares: African/African-American, 0.017%; no homozygotes.

Submission:

PreventionGenetics, part of Exact Sciences
Classification: Likely benign for ZFYVE27-related condition. Last evaluated: 2026-08-11. Review status: criteria provided, single submitter. Criteria: ACMG Guidelines, 2015. Collection method: clinical testing. Allele origin: germline.
Comment: This variant is classified as likely benign based on ACMG/AMP sequence variant interpretation guidelines (Richards et al. 2015 PMID: 25741868, with internal and published modifications).